The following is an entry in ClinVar:

NM_030665.4(RAI1):c.4278C>T (p.Thr1426=)

Gene: RAI1 (retinoic acid induced 1; plus strand). Cytogenetic location: 17p11.2.
Variant type: single nucleotide variant.
Coding change: c.4278C>T on transcript NM_030665.4 (MANE Select); coding-DNA position 4278, C replaced by T.
Protein change: p.Thr1426=; no amino-acid change (threonine 1426 retained).
Molecular consequence: synonymous variant.
Genome position (GRCh38, 1-based): chr17:17,797,226, C>T. VCF-style: chr17-17797226-C-T. GRCh37 (hg19) VCF-style: chr17-17700540-C-T.
Other names: c.4278C>T (NM_030665.3).
Identifiers: ClinVar variation 2701946 (VCV002701946.4), dbSNP rs374381036, ClinGen allele CA8418921.

ClinVar aggregate classification (germline): Likely benign. Review status: criteria provided, multiple submitters, no conflicts (2 of 4 stars). 2 submissions from 2 submitters: Likely benign (2). Last evaluated 2025-06-16.

Conditions:
RAI1-related disorder. Also called: RAI1-related condition.

Allele frequency attached by ClinVar (database versions not stated): gnomAD 0.00001; TOPMed 0.00002; ExAC 0.00003; ESP Exome Variant Server 0.00008.
gnomAD v4.1: 23 of 1,613,572 alleles (0.0014%); highest among the groups gnomAD compares: South Asian, 0.0022%; no homozygotes.

Submissions (2):

PreventionGenetics, part of Exact Sciences
Classification: Likely benign for RAI1-related condition. Last evaluated: 2025-06-16. Review status: criteria provided, single submitter. Criteria: ACMG Guidelines, 2015. Collection method: clinical testing. Allele origin: germline.
Comment: This variant is classified as likely benign based on ACMG/AMP sequence variant interpretation guidelines (Richards et al. 2015 PMID: 25741868, with internal and published modifications).

Labcorp Genetics (formerly Invitae), Labcorp
Classification: Likely benign. Last evaluated: 2024-12-24. Review status: criteria provided, single submitter. Criteria: Invitae Variant Classification Sherloc (09022015). Collection method: clinical testing. Allele origin: germline.